The following is an entry in ClinVar:

ClinVar aggregate classification (germline): Uncertain significance (1 of 4 stars; one submission).

Conditions:
LAMA2-related muscular dystrophy (LAMA2-RD). Also called: Laminin alpha 2-related dystrophy. Identifiers: MedGen C5679788, MONDO:0100228.

Submission:

Labcorp Genetics (formerly Invitae), Labcorp
Classification: Uncertain significance for LAMA2-related muscular dystrophy. Last evaluated: 2022-10-18. Review status: criteria provided, single submitter. Criteria: Invitae Variant Classification Sherloc (09022015). Collection method: clinical testing. Allele origin: germline.
Comment: In summary, the available evidence is currently insufficient to determine the role of this variant in disease. Therefore, it has been classified as a Variant of Uncertain Significance. Experimental studies and prediction algorithms are not available or were not evaluated, and the functional significance of this variant is currently unknown. A similar copy number variant has been observed in individual(s) with clinical features of congenital muscular dystrophy (PMID: 30373198). This variant results in a copy number gain of the genomic region encompassing exon(s) 4-12 of the LAMA2 gene. While the exact position of this variant cannot be determined from the data, sub-genic copy number gains are generally in tandem (PMID: 25640679). This variant is predicted to be in-frame, and likely preserves the integrity of the reading frame.

Literature cited by the submitters: PubMed 30373198; PubMed 25640679.

NC_000006.11:g.(?_129419305)_(129514008_?)dup

Gene: LAMA2 (laminin subunit alpha 2; plus strand). Cytogenetic location: 6q22.33.
Variant type: Duplication.
Identifiers: ClinVar variation 1003073 (VCV001003073.7).